The following is an entry in ClinVar:

ClinVar aggregate classification (germline): Uncertain significance. Review status: criteria provided, single submitter (1 of 4 stars). 2 submissions from 2 submitters: Uncertain significance (1). 1 of the submissions does not count toward it. Last evaluated 2022-08-31.

Conditions:
Intellectual developmental disorder, X-linked 1. Also called: Atkin Flaitz Patil Smith syndrome; Intellectual disability, X-linked 1; MENTAL RETARDATION, X-LINKED 18; MENTAL RETARDATION, X-LINKED 78. Identifiers: Orphanet 777, MedGen C2931498, MONDO:0010656, OMIM 309530.
IQSEC2-related disorder. Also called: IQSEC2-related condition.

Allele frequency attached by ClinVar (database versions not stated): gnomAD exomes 0.00003 and 0.00002; ESP Exome Variant Server 0.00009; ExAC 0.00002.
gnomAD v4.1: 26 of 1,196,081 alleles (0.0022%); highest among the groups gnomAD compares: Non-Finnish European, 0.0029%; no homozygotes.

Submissions (2):

Labcorp Genetics (formerly Invitae), Labcorp
Classification: Uncertain significance for Intellectual developmental disorder, X-linked 1. Last evaluated: 2022-08-31. Review status: criteria provided, single submitter. Criteria: Invitae Variant Classification Sherloc (09022015). Collection method: clinical testing. Allele origin: germline.
Comment: This sequence change falls in intron 4 of the IQSEC2 gene. It does not directly change the encoded amino acid sequence of the IQSEC2 protein. It affects a nucleotide within the consensus splice site. In summary, the available evidence is currently insufficient to determine the role of this variant in disease. Therefore, it has been classified as a Variant of Uncertain Significance. Variants that disrupt the consensus splice site are a relatively common cause of aberrant splicing (PMID: 17576681, 9536098). Algorithms developed to predict the effect of sequence changes on RNA splicing suggest that this variant is not likely to affect RNA splicing. ClinVar contains an entry for this variant (Variation ID: 1376233). This variant has not been reported in the literature in individuals affected with IQSEC2-related conditions. The frequency data for this variant in the population databases is considered unreliable, as metrics indicate poor data quality at this position in the gnomAD database.

PreventionGenetics, part of Exact Sciences
Classification: Likely benign for IQSEC2-related condition. Last evaluated: 2024-03-26. Review status: no assertion criteria provided. Collection method: clinical testing. Allele origin: germline. Not counted in ClinVar's aggregate classification.
Comment: This variant is classified as likely benign based on ACMG/AMP sequence variant interpretation guidelines (Richards et al. 2015 PMID: 25741868, with internal and published modifications).

Literature cited by the submitters: PubMed 17576681 (cited by Labcorp Genetics (formerly Invitae), Labcorp); PubMed 9536098 (cited by Labcorp Genetics (formerly Invitae), Labcorp).

NM_001111125.3(IQSEC2):c.1401+3C>A

Gene: IQSEC2 (IQ motif and Sec7 domain ArfGEF 2; minus strand). Cytogenetic location: Xp11.22.
Variant type: single nucleotide variant.
Coding change: c.1401+3C>A on transcript NM_001111125.3 (MANE Select); 3 bases into the intron after coding-DNA position 1401, C replaced by A.
Molecular consequence: intron variant.
Genome position (GRCh38, 1-based): chrX:53,254,527, G>T on the plus strand (C>A on the coding strand, the complement: IQSEC2 is on the minus strand). VCF-style: chrX-53254527-G-T. GRCh37 (hg19) VCF-style: chrX-53283709-G-T.
Other names: c.1401+3C>A (NM_001111125.2); c.786+3C>A (NM_015075.2).
Identifiers: ClinVar variation 1376233 (VCV001376233.7), dbSNP rs377593679, ClinGen allele CA10420080.
Genomic context (GRCh38, chrX:53,254,527, plus strand): 5'-AAAGTAGCAGGAGTAGCCAGAACACGGGGATGGGGAAGAAAGGTCCTTTTCAGGGATCCT[G>T]ACCTGTTTGGAGAAGGAGTCCTCAAGTTCTGTGATGTCATTAGAAAACTCTCCAGATGTG-3'